The following is an entry in ClinVar:

ClinVar aggregate classification (germline): Likely pathogenic. Review status: criteria provided, multiple submitters, no conflicts (2 of 4 stars). 2 submissions from 2 submitters: Likely pathogenic (2). Last evaluated 2025-09-26.

Conditions:
Charlevoix-Saguenay spastic ataxia (SACS). Also called: Spastic ataxia of Charlevoix-Saguenay; SPASTIC ATAXIA 6, AUTOSOMAL RECESSIVE; AUTOSOMAL RECESSIVE SPASTIC ATAXIA OF CHARLEVOIX-SAGUENAY. Identifiers: Orphanet 98, MedGen C1849140, MONDO:0010041, OMIM 270550.

Submissions (2):

Natera, Inc.
Classification: Likely pathogenic for Charlevoix-Saguenay type spastic ataxia. Last evaluated: 2025-09-26. Review status: criteria provided, single submitter. Criteria: Natera Variant Classification Schema (03/2026). Collection method: clinical testing. Allele origin: germline.
Comment: The c.12461del variant in SACS is a frameshift variant predicted to shift the reading frame beginning at codon 4154 and leads to a stop codon 20 codons downstream. This variant is expected to result in nonsense mediated decay, truncation, or a dysfunctional protein product. This variant is rare in the general population with a frequency below the threshold expected for the associated phenotype(s). This variant has been observed in one or more individuals affected with the associated recessive disease, as either homozygous or compound heterozygous with a second variant (PMID: 33559790). Given the available evidence, this variant is classified as Likely Pathogenic.

PROSPAX: an integrated multimodal progression  chart in spastic ataxias, Center for Neurology; Hertie-Institute for Clinical Brain Research
Classification: Likely pathogenic for Charlevoix-Saguenay spastic ataxia. Last evaluated: 2022-01-01. Review status: criteria provided, single submitter. Criteria: ACMG Guidelines, 2015. Collection method: research. Allele origin: germline. Affected: yes.

Literature cited by the submitters: PubMed 33559790 (cited by Natera, Inc.).

NM_014363.6(SACS):c.12461del (p.Pro4154fs)

Gene: SACS (sacsin molecular chaperone; minus strand). Cytogenetic location: 13q12.12.
Variant type: Deletion.
Coding change: c.12461del on transcript NM_014363.6 (MANE Select); coding-DNA position 12461, one base deleted (C; older notation c.12461delC).
Protein change: p.Pro4154fs; shifts the reading frame from proline 4154.
Molecular consequence: frameshift variant.
Genome position (GRCh38, 1-based): chr13:23,331,415, G deleted on the plus strand (C on the coding strand, the reverse complement: SACS is on the minus strand); the first of 2 consecutive G bases (chr13:23,331,415-23,331,416); deleting either gives the same sequence. VCF-style (leftmost placement, unchanged base first): chr13-23331414-TG-T. GRCh37 (hg19) VCF-style: chr13-23905553-TG-T.
Other names: c.12020del, p.Pro4007fs (NM_001278055.2); short protein forms P4007fs, P4154fs.
Identifiers: ClinVar variation 3242505 (VCV003242505.2).